The following is an entry in ClinVar:

NM_032043.3(BRIP1):c.2467A>G (p.Arg823Gly)

Gene: BRIP1 (BRCA1 interacting DNA helicase 1; minus strand). Cytogenetic location: 17q23.2.
Variant type: single nucleotide variant.
Coding change: c.2467A>G on transcript NM_032043.3 (MANE Select); coding-DNA position 2467, A replaced by G.
Protein change: p.Arg823Gly; replaces arginine 823 with glycine.
Molecular consequence: missense variant.
Genome position (GRCh38, 1-based): chr17:61,715,976, T>C on the plus strand (A>G on the coding strand, the complement: BRIP1 is on the minus strand). VCF-style: chr17-61715976-T-C. GRCh37 (hg19) VCF-style: chr17-59793337-T-C.
Other names: short protein forms R823G.
Identifiers: ClinVar variation 631133 (VCV000631133.9), dbSNP rs1567755628, ClinGen allele CA400479485.

ClinVar aggregate classification (germline): Conflicting classifications of pathogenicity. Review status: criteria provided, conflicting classifications (1 of 4 stars). 4 submissions from 4 submitters: Likely pathogenic (1); Uncertain significance (3). Last evaluated 2024-10-10.

Conditions:
Familial cancer of breast. Also called: BREAST CANCER, FAMILIAL; hereditary breast carcinoma; Hereditary breast cancer. Identifiers: Orphanet 227535, MedGen C0346153, MONDO:0016419, OMIM 114480. Disease mechanism: loss of function.
Fanconi anemia complementation group J. Also called: BRIP1-Related Fanconi Anemia. Identifiers: Orphanet 84, MedGen C1836860, MONDO:0012187, OMIM 609054.
Ovarian cancer. Also called: OVARIAN CANCER, SOMATIC. Identifiers: Orphanet 213500, MedGen C1140680, MONDO:0008170, OMIM 167000.
Hereditary cancer-predisposing syndrome. Also called: Hereditary Cancer Syndrome; Neoplastic Syndromes, Hereditary; Tumor predisposition; Hereditary neoplastic syndrome. Identifiers: Orphanet 140162, MedGen C0027672, MeSH D009386, MONDO:0015356.

Submissions (4):

Labcorp Genetics (formerly Invitae), Labcorp
Classification: Uncertain significance for Familial cancer of breast; Fanconi anemia complementation group J. Last evaluated: 2024-10-10. Review status: criteria provided, single submitter. Criteria: Invitae Variant Classification Sherloc (09022015). Collection method: clinical testing. Allele origin: germline.
Comment: This sequence change replaces arginine, which is basic and polar, with glycine, which is neutral and non-polar, at codon 823 of the BRIP1 protein (p.Arg823Gly). This variant is not present in population databases (gnomAD no frequency). This variant has not been reported in the literature in individuals affected with BRIP1-related conditions. ClinVar contains an entry for this variant (Variation ID: 631133). Invitae Evidence Modeling of protein sequence and biophysical properties (such as structural, functional, and spatial information, amino acid conservation, physicochemical variation, residue mobility, and thermodynamic stability) has been performed for this missense variant. However, the output from this modeling did not meet the statistical confidence thresholds required to predict the impact of this variant on BRIP1 protein function. In summary, the available evidence is currently insufficient to determine the role of this variant in disease. Therefore, it has been classified as a Variant of Uncertain Significance.

Ambry Genetics
Classification: Uncertain significance for Hereditary cancer-predisposing syndrome. Last evaluated: 2023-02-02. Review status: criteria provided, single submitter. Criteria: Ambry Variant Classification Scheme 2023. Collection method: clinical testing. Allele origin: germline.
Comment: The p.R823G variant (also known as c.2467A>G), located in coding exon 16 of the BRIP1 gene, results from an A to G substitution at nucleotide position 2467. The arginine at codon 823 is replaced by glycine, an amino acid with dissimilar properties. This alteration was observed within 1 of 64,523 individuals with a personal history of breast cancer. (Easton DF et al. J Med Genet, 2016 May;53:298-309). This amino acid position is highly conserved in available vertebrate species. In addition, this alteration is predicted to be deleterious by in silico analysis. Since supporting evidence is limited at this time, the clinical significance of this alteration remains unclear.

Laboratory of Molecular Epidemiology of Birth Defects, West China Second University Hospital, Sichuan University
Classification: Likely pathogenic for Ovarian cancer. Last evaluated: 2022-01-01. Review status: criteria provided, single submitter. Criteria: ACMG Guidelines, 2015. Collection method: clinical testing. Allele origin: germline. Affected: yes.

Color Diagnostics, LLC DBA Color Health
Classification: Uncertain significance for Hereditary cancer-predisposing syndrome. Last evaluated: 2019-04-04. Review status: criteria provided, single submitter. Criteria: ACMG Guidelines, 2015. Collection method: clinical testing. Allele origin: germline.

Literature cited by the submitters: PubMed 26921362 (cited by Ambry Genetics).